The following is an entry in ClinVar:

NM_005456.4(MAPK8IP1):c.236GCG[5] (p.Gly82dup)

Gene: MAPK8IP1 (mitogen-activated protein kinase 8 interacting protein 1; plus strand). Cytogenetic location: 11p11.2.
Variant type: Microsatellite.
Coding change: c.236GCG[5] on transcript NM_005456.4 (MANE Select); five copies in a row of the 3-base unit GCG starting at c.236; the reference has four copies in a row; one copy, 3 bases duplicated.
Protein change: p.Gly82dup; duplicates glycine 82.
Molecular consequence: inframe insertion.
Genome position (GRCh38, 1-based): chr11:45,900,175-45,900,177, GCG duplicated; duplicating any 3 consecutive bases within chr11:45,900,165-45,900,177 gives the same sequence; the position shown is the placement nearest the transcript's 3' end. VCF-style (leftmost placement, unchanged base first): chr11-45900164-G-GGGC. GRCh37 (hg19) VCF-style: chr11-45921715-G-GGGC.
Identifiers: ClinVar variation 1050681 (VCV001050681.1), dbSNP rs921464364, ClinGen allele CA221571350.

ClinVar aggregate classification (germline): Uncertain significance (0 of 4 stars; one submission).

Submission:

Department of Pathology and Laboratory Medicine, Sinai Health System
Classification: Uncertain significance. Review status: no assertion criteria provided. Collection method: clinical testing. Allele origin: unknown. Affected: yes. Study: The Canadian Open Genetics Repository (COGR).
Comment: The MAPK8IP1 p.Gly82dup variant was not identified in the literature nor was it identified in ClinVar, Cosmic or LOVD 3.0. The variant was identified in dbSNP (ID: rs921464364) and in control databases in 2 of 32746 chromosomes at a frequency of 0.000061 (Genome Aggregation Database Feb 27, 2017). The variant was observed in the following populations: African in 1 of 8632 chromosomes (freq: 0.000116) and European (non-Finnish) in 1 of 16170 chromosomes (freq: 0.000062), while the variant was not observed in the Latino, Ashkenazi Jewish, East Asian, European (Finnish), Other or South Asian populations. This variant is an in-frame insertion resulting in the duplication of a glycine (Gly) residue at codon 82; the impact of this alteration on MAPK8IP1 protein function is not known. In summary, based on the above information the clinical significance of this variant cannot be determined with certainty at this time. This variant is classified as a variant of uncertain significance.